The following is an entry in ClinVar:

NM_170682.4(P2RX2):c.1219G>A (p.Gly407Ser)

Gene: P2RX2 (purinergic receptor P2X 2; plus strand). Cytogenetic location: 12q24.33.
Variant type: single nucleotide variant.
Coding change: c.1219G>A on transcript NM_170682.4 (MANE Select); coding-DNA position 1219, G replaced by A.
Protein change: p.Gly407Ser; replaces glycine 407 with serine.
Molecular consequence: missense variant. On other transcripts: 3 prime UTR variant (1), intron variant (2).
Genome position (GRCh38, 1-based): chr12:132,621,775, G>A. VCF-style: chr12-132621775-G-A. GRCh37 (hg19) VCF-style: chr12-133198361-G-A.
Other names: c.*266G>A (NM_001282165.2); c.1003G>A, p.Gly335Ser (NM_012226.5); c.1147G>A, p.Gly383Ser (NM_016318.4); c.1297G>A, p.Gly433Ser (NM_170683.4); c.943G>A, p.Gly315Ser (NM_174872.3); c.1140+79G>A (NM_174873.3); c.1038+79G>A (NM_001282164.2); short protein forms G335S, G433S, G383S, G315S, G407S.
Identifiers: ClinVar variation 227828 (VCV000227828.28), dbSNP rs199712315, ClinGen allele CA6891865.
Genomic context (GRCh38, chr12:132,621,775, plus strand): 5'-CCCTCAGGTAGCTGGCCTGTGACCCTTGCCCGTGTATTGGGCCAGGCCCCTCCCGAACCC[G>A]GCCACCGCTCCGAGGACCAGCACCCCAGCCCTCCATCAGGCCAGGAGGGCCAACAAGGGG-3'
Protein context (NP_733782.1, residues 397-417): RVLGQAPPEP[Gly407Ser]HRSEDQHPSP

ClinVar aggregate classification (germline): Conflicting classifications of pathogenicity. Review status: criteria provided, conflicting classifications (1 of 4 stars). 3 submissions from 3 submitters: Uncertain significance (1); Likely benign (2). Last evaluated 2025-06-19.

Allele frequency attached by ClinVar (database versions not stated): gnomAD exomes 0.00005 and 0.00013; ExAC 0.00006; gnomAD 0.00007 and 0.00008; ESP Exome Variant Server 0.00008; TOPMed 0.00008.
gnomAD v4.1: 201 of 1,600,464 alleles (0.013%); highest among the groups gnomAD compares: Non-Finnish European, 0.015%; no homozygotes.

Submissions (3):

Ambry Genetics
Classification: Uncertain significance. Last evaluated: 2025-06-19. Review status: criteria provided, single submitter. Criteria: Ambry Variant Classification Scheme 2023. Collection method: clinical testing. Allele origin: germline.

CeGaT Center for Human Genetics Tuebingen
Classification: Likely benign. Last evaluated: 2024-02-01. Review status: criteria provided, single submitter. Criteria: CeGaT Center For Human Genetics Tuebingen Variant Classification Criteria Version 2. Collection method: clinical testing. Allele origin: germline. Affected: yes. Observed: 1 variant allele.
Comment: P2RX2: BP4, BP5

Laboratory for Molecular Medicine, Mass General Brigham Personalized Medicine
Classification: Likely benign. Last evaluated: 2015-06-18. Review status: criteria provided, single submitter. Criteria: LMM Criteria. Collection method: clinical testing. Allele origin: germline. Observed: 1 variant allele.
Comment: p.Gly433Ser in exon 10B of P2RX2: This variant is not expected to have clinical significance due to a lack of conservation across species, including mammals. Of note, over 10 mammals including primates have a serine (Ser) at this position. It has also been identified in 7/116419 chromosomes by the Exome Aggregation Co nsortium Sequencing Project (ExAC; dbSNP rs19971 2315).